The following is an entry in ClinVar:

NM_000742.4(CHRNA2):c.1544G>A (p.Gly515Glu)

Gene: CHRNA2 (cholinergic receptor nicotinic alpha 2 subunit; minus strand). Cytogenetic location: 8p21.2.
Variant type: single nucleotide variant.
Coding change: c.1544G>A on transcript NM_000742.4 (MANE Select); coding-DNA position 1544, G replaced by A.
Protein change: p.Gly515Glu; replaces glycine 515 with glutamic acid.
Molecular consequence: missense variant.
Genome position (GRCh38, 1-based): chr8:27,461,675, C>T on the plus strand (G>A on the coding strand, the complement: CHRNA2 is on the minus strand). VCF-style: chr8-27461675-C-T. GRCh37 (hg19) VCF-style: chr8-27319192-C-T.
Other names: c.1499G>A, p.Gly500Glu (NM_001282455.2); c.1067G>A, p.Gly356Glu (NM_001347705.2, NM_001347706.2); c.950G>A, p.Gly317Glu (NM_001347707.2, NM_001347708.2); short protein forms G317E, G356E, G500E, G515E.
Identifiers: ClinVar variation 1026857 (VCV001026857.1), dbSNP rs1563315936, ClinGen allele CA370806862.
Genomic context (GRCh38, chr8:27,461,675, plus strand): 5'-CGAGGGAGGTGCAGTCAGATCATTCCAGCTAGGAACGGAGGCAGAAAGAGGCCGATGGTC[C>T]CCAGGAAGCAGACGATGATAAACAGCCAGAGGAAGATCCTGTCGATGACCATGGCAACAT-3'
Protein context (NP_000733.2, residues 505-525): LWLFIIVCFL[Gly515Glu]TIGLFLPPFL

ClinVar aggregate classification (germline): Uncertain significance (1 of 4 stars; one submission).

Conditions:
Familial sleep-related hypermotor epilepsy. Also called: Autosomal Dominant Sleep-Related Hypermotor (Hyperkinetic) Epilepsy. Identifiers: Orphanet 98784, MedGen C3696898, MONDO:0000030.

gnomAD v4.1: 1 of 1,614,186 alleles (0.000062%); highest among the groups gnomAD compares: African/African-American, 0.0013%; no homozygotes.

Submission:

Labcorp Genetics (formerly Invitae), Labcorp
Classification: Uncertain significance. Last evaluated: 2020-01-20. Review status: criteria provided, single submitter. Criteria: Invitae Variant Classification Sherloc (09022015). Collection method: clinical testing. Allele origin: germline.
Comment: This sequence change replaces glycine with glutamic acid at codon 515 of the CHRNA2 protein (p.Gly515Glu). The glycine residue is highly conserved and there is a moderate physicochemical difference between glycine and glutamic acid. This variant is not present in population databases (ExAC no frequency). This variant has not been reported in the literature in individuals with CHRNA2-related conditions. Algorithms developed to predict the effect of missense changes on protein structure and function are either unavailable or do not agree on the potential impact of this missense change (SIFT: Deleterious; PolyPhen-2: Probably Damaging; Align-GVGD: Class C0). In summary, the available evidence is currently insufficient to determine the role of this variant in disease. Therefore, it has been classified as a Variant of Uncertain Significance.